The following is an entry in ClinVar:

ClinVar aggregate classification (germline): Uncertain significance (1 of 4 stars; one submission).

gnomAD v4.1: 3 of 1,544,244 alleles (0.00019%); highest among the groups gnomAD compares: African/African-American, 0.0014%; no homozygotes.

Submission:

Labcorp Genetics (formerly Invitae), Labcorp
Classification: Uncertain significance. Last evaluated: 2024-10-10. Review status: criteria provided, single submitter. Criteria: Invitae Variant Classification Sherloc (09022015). Collection method: clinical testing. Allele origin: germline.
Comment: This sequence change replaces asparagine, which is neutral and polar, with serine, which is neutral and polar, at codon 104 of the IGF2 protein (p.Asn104Ser). This variant is not present in population databases (gnomAD no frequency). This variant has not been reported in the literature in individuals affected with IGF2-related conditions. An algorithm developed to predict the effect of missense changes on protein structure and function (PolyPhen-2) suggests that this variant is likely to be tolerated. Algorithms developed to predict the effect of sequence changes on RNA splicing suggest that this variant may create or strengthen a splice site. In summary, the available evidence is currently insufficient to determine the role of this variant in disease. Therefore, it has been classified as a Variant of Uncertain Significance.

NM_000612.6(IGF2):c.311A>G (p.Asn104Ser)

Genes: IGF2 (insulin like growth factor 2; minus strand), INS-IGF2 (INS-IGF2 readthrough; minus strand). Cytogenetic location: 11p15.5.
Variant type: single nucleotide variant.
Coding change: c.311A>G on transcript NM_000612.6 (MANE Select); coding-DNA position 311, A replaced by G.
Protein change: p.Asn104Ser; replaces asparagine 104 with serine.
Molecular consequence: missense variant. On other transcripts: non-coding transcript variant (1).
Genome position (GRCh38, 1-based): chr11:2,133,219, T>C on the plus strand (A>G on the coding strand, the complement: IGF2 is on the minus strand). VCF-style: chr11-2133219-T-C. GRCh37 (hg19) VCF-style: chr11-2154449-T-C.
Other names: c.311A>G, p.Asn104Ser (NM_001007139.6, NM_001291861.3, NM_001291862.3); c.479A>G, p.Asn160Ser (NM_001127598.3); short protein forms N104S, N160S.
Identifiers: ClinVar variation 3683819 (VCV003683819.2).
Genomic context (GRCh38, chr11:2,133,219, plus strand): 5'-TGGGTGGACTGCTTCCAGGTGTCATATTGGAAGAACTTGCCCACGGGGTATCTGGGGAAG[T>C]TGTCCTGGGAGGGGAAGGGGCTGGTCAGCAGGTGCCTGCTCTCCACGCTCTTCCGCCTGA-3'
Protein context (NP_000603.1, residues 94-114): VSTPPTVLPD[Asn104Ser]FPRYPVGKFF